The following is an entry in ClinVar:

NM_001378120.1(MBD5):c.706T>C (p.Ser236Pro)

Gene: MBD5 (methyl-CpG binding domain protein 5; plus strand). Cytogenetic location: 2q23.1.
Variant type: single nucleotide variant.
Coding change: c.706T>C on transcript NM_001378120.1 (MANE Select); coding-DNA position 706, T replaced by C.
Protein change: p.Ser236Pro; replaces serine 236 with proline.
Molecular consequence: missense variant.
Genome position (GRCh38, 1-based): chr2:148,468,649, T>C. VCF-style: chr2-148468649-T-C. GRCh37 (hg19) VCF-style: chr2-149226218-T-C.
Other names: c.706T>C, p.Ser236Pro (NM_018328.5); short protein forms S236P.
Identifiers: ClinVar variation 2726753 (VCV002726753.3), dbSNP rs1680674275, ClinGen allele CA348717509.
Genomic context (GRCh38, chr2:148,468,649, plus strand): 5'-GGCAGCCATGGAGGCCTGCCCAGCCCAGCGTCATCAGGTTCCCAGATATATGGAGATGGT[T>C]CAATCTCTCCAAGGACTGACCCACTTGGAAGTCCTGATGTTTTCACAAGAAGTAATCCTG-3'
Protein context (NP_001365049.1, residues 226-246): SSGSQIYGDG[Ser236Pro]ISPRTDPLGS

ClinVar aggregate classification (germline): Uncertain significance (1 of 4 stars; one submission).

Conditions:
Intellectual developmental disorder, autosomal dominant 1. Also called: Intellectual disability, autosomal dominant 1; MBD5 Haploinsufficiency. Identifiers: Orphanet 228402, MedGen C1969562, MONDO:0007974, OMIM 156200.

Submission:

Labcorp Genetics (formerly Invitae), Labcorp
Classification: Uncertain significance for Intellectual developmental disorder, autosomal dominant 1. Last evaluated: 2023-07-07. Review status: criteria provided, single submitter. Criteria: Invitae Variant Classification Sherloc (09022015). Collection method: clinical testing. Allele origin: germline.
Comment: This sequence change replaces serine, which is neutral and polar, with proline, which is neutral and non-polar, at codon 236 of the MBD5 protein (p.Ser236Pro). This variant is not present in population databases (gnomAD no frequency). This variant has not been reported in the literature in individuals affected with MBD5-related conditions. Advanced modeling of protein sequence and biophysical properties (such as structural, functional, and spatial information, amino acid conservation, physicochemical variation, residue mobility, and thermodynamic stability) performed at Invitae indicates that this missense variant is not expected to disrupt MBD5 protein function. In summary, the available evidence is currently insufficient to determine the role of this variant in disease. Therefore, it has been classified as a Variant of Uncertain Significance.